The following is an entry in ClinVar:

NM_000254.3(MTR):c.3599-11G>A

Gene: MTR (5-methyltetrahydrofolate-homocysteine methyltransferase; plus strand). Cytogenetic location: 1q43.
Variant type: single nucleotide variant.
Coding change: c.3599-11G>A on transcript NM_000254.3 (MANE Select); 11 bases into the intron before coding-DNA position 3599, G replaced by A.
Molecular consequence: intron variant.
Genome position (GRCh38, 1-based): chr1:236,896,995, G>A. VCF-style: chr1-236896995-G-A. GRCh37 (hg19) VCF-style: chr1-237060295-G-A.
Other names: p.?; c.3446-11G>A (NM_001291939.1); c.2378-11G>A (NM_001291940.2).
Identifiers: ClinVar variation 516320 (VCV000516320.11), dbSNP rs76731959, ClinGen allele CA1474752.

ClinVar aggregate classification (germline): Benign/Likely benign. Review status: criteria provided, multiple submitters, no conflicts (2 of 4 stars). 4 submissions from 4 submitters: Benign (3); Likely benign (1). Last evaluated 2026-02-02.

Conditions:
Methylcobalamin deficiency type cblG (HMAG). Also called: HOMOCYSTINURIA-MEGALOBLASTIC ANEMIA, cblG TYPE; Functional methionine synthase deficiency type cblG; HOMOCYSTINURIA-MEGALOBLASTIC ANEMIA DUE TO DEFECT IN COBALAMIN METABOLISM, cblG COMPLEMENTATION TYPE; HOMOCYSTINURIA-MEGALOBLASTIC ANEMIA, cblG COMPLEMENTATION TYPE. Identifiers: Orphanet 2170, Orphanet 622, MedGen C1855128, MONDO:0009609, OMIM 250940.

Allele frequency attached by ClinVar (database versions not stated): gnomAD exomes 0.00058; ExAC 0.00199; 1000 Genomes Project 0.00499; 1000 Genomes Project 30x 0.00500; gnomAD 0.00572 and 0.00621; TOPMed 0.00663; ESP Exome Variant Server 0.00746.
gnomAD v4.1: 1,726 of 1,599,228 alleles (0.11%); highest among the groups gnomAD compares: African/African-American, 2.1%; 16 homozygotes.

Submissions (4):

Labcorp Genetics (formerly Invitae), Labcorp
Classification: Benign for Methylcobalamin deficiency type cblG. Last evaluated: 2026-02-02. Review status: criteria provided, single submitter. Criteria: Invitae Variant Classification Sherloc (09022015). Collection method: clinical testing. Allele origin: germline.

Mayo Clinic Laboratories, Mayo Clinic
Classification: Likely benign. Last evaluated: 2024-11-14. Review status: criteria provided, single submitter. Criteria: ACMG Guidelines, 2015. Collection method: clinical testing. Allele origin: germline. Observed: 1 variant allele.
Comment: BA1, BS2

GeneDx
Classification: Benign. Last evaluated: 2017-03-15. Review status: criteria provided, single submitter. Criteria: GeneDx Variant Classification (06012015). Collection method: clinical testing. Allele origin: germline. Affected: yes.
Comment: This variant is considered likely benign or benign based on one or more of the following criteria: it is a conservative change, it occurs at a poorly conserved position in the protein, it is predicted to be benign by multiple in silico algorithms, and/or has population frequency not consistent with disease.

Breakthrough Genomics
Classification: Benign. Review status: criteria provided, single submitter. Criteria: ACMG Guidelines, 2015. Collection method: not provided. Allele origin: germline. Inheritance: Autosomal recessive inheritance. Affected: yes.